The following is an entry in ClinVar:

ClinVar aggregate classification (germline): Uncertain significance (1 of 4 stars; one submission).

Conditions:
Hereditary cancer-predisposing syndrome. Also called: Hereditary neoplastic syndrome; Tumor predisposition; Neoplastic Syndromes, Hereditary; Hereditary Cancer Syndrome. Identifiers: Orphanet 140162, MedGen C0027672, MeSH D009386, MONDO:0015356.

Submission:

Sema4
Classification: Uncertain significance for Hereditary cancer-predisposing syndrome. Last evaluated: 2022-01-15. Review status: criteria provided, single submitter. Criteria: Sema4 Curation Guidelines. Collection method: curation. Allele origin: germline.
Comment: To the best of our knowledge, the CHEK2 c.592+5T>C (p.?) variant has not been reported in individuals with CHEK2-related disease. It was not observed in the large and broad cohorts of Genome Aggregation Database (PMID: 32461654). This variant has not been reported in ClinVar. In silico tools suggest that the variant does not have an impact on splicing, though these predictions have not been confirmed by functional studies. The evidence is insufficient to meet ACMG/AMP criteria for classifying the variant as benign or pathogenic. Thus, the clinical significance of this variant is currently uncertain.

NM_007194.4(CHEK2):c.592+5T>C

Gene: CHEK2 (checkpoint kinase 2; minus strand). Cytogenetic location: 22q12.1.
Variant type: single nucleotide variant.
Coding change: c.592+5T>C on transcript NM_007194.4 (MANE Select); 5 bases into the intron after coding-DNA position 592, T replaced by C.
Molecular consequence: intron variant.
Genome position (GRCh38, 1-based): chr22:28,724,972, A>G on the plus strand (T>C on the coding strand, the complement: CHEK2 is on the minus strand). VCF-style: chr22-28724972-A-G. GRCh37 (hg19) VCF-style: chr22-29120960-A-G.
Other names: c.-72+5T>C (NM_001437942.1); c.445-49T>C (NM_001349956.3); c.592+5T>C (NM_145862.3); c.-186+5T>C (NM_001257387.3); c.685+5T>C (NM_001438295.1, NM_001438293.1); c.721+5T>C (NM_001438294.1, NM_001005735.3).
Identifiers: ClinVar variation 1692950 (VCV001692950.1), dbSNP rs2146056072, ClinGen allele CA2573157944.